The following is an entry in ClinVar:

ClinVar aggregate classification (germline): Uncertain significance (1 of 4 stars; one submission).

Conditions:
Lymphoproliferative syndrome 1 (LPFS1). Identifiers: Orphanet 238505, Orphanet 538963, MedGen C3552634, MONDO:0013081, OMIM 613011.

Submission:

Labcorp Genetics (formerly Invitae), Labcorp
Classification: Uncertain significance for Lymphoproliferative syndrome 1. Last evaluated: 2022-01-28. Review status: criteria provided, single submitter. Criteria: Invitae Variant Classification Sherloc (09022015). Collection method: clinical testing. Allele origin: germline.
Comment: A copy number gain of the genomic region encompassing the full coding sequence of the ITK gene has been identified. The boundaries of this event are unknown as they extend beyond the assayed region for this gene and therefore may encompass additional genes. As the precise location of this event is unknown, it may be in tandem or it may be located elsewhere in the genome. This variant has not been reported in the literature in individuals affected with ITK-related conditions. Experimental studies and prediction algorithms are not available or were not evaluated, and the functional significance of this variant is currently unknown. In summary, the available evidence is currently insufficient to determine the role of this variant in disease. Therefore, it has been classified as a Variant of Uncertain Significance.

NC_000005.9:g.(?_155338082)_(156899968_?)dup

Genes: HAVCR1 (hepatitis A virus cellular receptor 1; minus strand), SGCD (sarcoglycan delta; plus strand), GARIN3 (golgi associated RAB2 interactor family member 3; minus strand), CYFIP2 (cytoplasmic FMR1 interacting protein 2; plus strand), MED7 (mediator complex subunit 7; minus strand) and 5 more. Cytogenetic location: 5q33.2-33.3.
Variant type: Duplication.
Identifiers: ClinVar variation 2425365 (VCV002425365.2).